The following is an entry in ClinVar:

ClinVar aggregate classification (germline): Uncertain significance. Review status: criteria provided, multiple submitters, no conflicts (2 of 4 stars). 2 submissions from 2 submitters: Uncertain significance (2). Last evaluated 2022-10-28.

Conditions:
Hereditary spastic paraplegia 39 (SPG39). Also called: SPASTIC PARAPLEGIA 39, AUTOSOMAL RECESSIVE; Spastic Paraplegia Type 39 (SPG39). Identifiers: Orphanet 139480, MedGen C2677586, MONDO:0012787, OMIM 612020.

Allele frequency attached by ClinVar (database versions not stated): gnomAD exomes below 0.00001; ExAC 0.00001; gnomAD 0.00001 and 0.00002.
gnomAD v4.1: 8 of 1,614,186 alleles (0.0005%); highest among the groups gnomAD compares: Admixed American, 0.0017%; no homozygotes.

Submissions (2):

Labcorp Genetics (formerly Invitae), Labcorp
Classification: Uncertain significance for Hereditary spastic paraplegia 39. Last evaluated: 2022-10-28. Review status: criteria provided, single submitter. Criteria: Invitae Variant Classification Sherloc (09022015). Collection method: clinical testing. Allele origin: germline.
Comment: In summary, the available evidence is currently insufficient to determine the role of this variant in disease. Therefore, it has been classified as a Variant of Uncertain Significance. Advanced modeling of protein sequence and biophysical properties (such as structural, functional, and spatial information, amino acid conservation, physicochemical variation, residue mobility, and thermodynamic stability) performed at Invitae indicates that this missense variant is expected to disrupt PNPLA6 protein function. ClinVar contains an entry for this variant (Variation ID: 963420). This variant has not been reported in the literature in individuals affected with PNPLA6-related conditions. This variant is present in population databases (rs780878126, gnomAD 0.003%). This sequence change replaces glycine, which is neutral and non-polar, with valine, which is neutral and non-polar, at codon 1189 of the PNPLA6 protein (p.Gly1189Val).

Blueprint Genetics
Classification: Uncertain significance. Last evaluated: 2021-04-22. Review status: criteria provided, single submitter. Criteria: ACMG Guidelines, 2015. Collection method: clinical testing. Allele origin: germline.

NM_001166114.2(PNPLA6):c.3680G>T (p.Gly1227Val)

Gene: PNPLA6 (patatin like domain 6, lysophospholipase; plus strand). Cytogenetic location: 19p13.2.
Variant type: single nucleotide variant.
Coding change: c.3680G>T on transcript NM_001166114.2 (MANE Select); coding-DNA position 3680, G replaced by T.
Protein change: p.Gly1227Val; replaces glycine 1227 with valine.
Molecular consequence: missense variant.
Genome position (GRCh38, 1-based): chr19:7,559,132, G>T. VCF-style: chr19-7559132-G-T. GRCh37 (hg19) VCF-style: chr19-7624018-G-T.
Other names: c.3710G>T, p.Gly1237Val (NM_001166111.2); c.3485G>T, p.Gly1162Val (NM_001166112.2); c.3566G>T, p.Gly1189Val (NM_001166113.1, NM_006702.5); short protein forms G1162V, G1237V, G1227V, G1189V.
Identifiers: ClinVar variation 963420 (VCV000963420.10), dbSNP rs780878126, ClinGen allele CA9140533.